The following is an entry in ClinVar:

ClinVar aggregate classification (germline): Pathogenic (1 of 4 stars; one submission).

Conditions:
Autosomal dominant intellectual disability-craniofacial anomalies-cardiac defects syndrome (ARTHS). Also called: KAT6A syndrome; Mental retardation, autosomal dominant 32; Arboleda-Tham syndrome. Identifiers: Orphanet 457193, MedGen C4225396, MONDO:0014558, OMIM 616268.

Submission:

Illumina Laboratory Services, Illumina
Classification: Pathogenic for Autosomal dominant intellectual disability-craniofacial anomalies-cardiac defects syndrome. Last evaluated: 2018-11-15. Review status: criteria provided, single submitter. Criteria: ICSLVariantClassificationCriteria RUGD 01 April 2020. Collection method: clinical testing. Allele origin: unknown.
Comment: The KAT6A c.3824_3828delAGAAG p.(Glu1275AlafsTer36) variant causes a shift in the protein reading frame that is predicted to result in premature termination of the protein. Loss of normal protein function through either protein truncation or nonsense-mediated mRNA decay is expected. To our knowledge, this variant has not been reported in the peer-reviewed literature. This variant resides in the acidic domain of the KAT6A gene in which recurrent truncating variants have been reported (Kennedy et al. 2018). This variant is not observed in version 2.1.1 of the Genome Aggregation Database. Based on the available evidence, the c.3824_3828delAGAAG p.(Glu1275AlafsTer36) variant is classified as pathogenic for KAT6A syndrome.

NM_006766.5(KAT6A):c.3824_3828del (p.Glu1275fs)

Gene: KAT6A (lysine acetyltransferase 6A; minus strand). Cytogenetic location: 8p11.21.
Variant type: Microsatellite.
Coding change: c.3824_3828del on transcript NM_006766.5 (MANE Select); coding-DNA positions 3824 to 3828, 5 bases deleted (AGAAG; older notation c.3824_3828delAGAAG).
Protein change: p.Glu1275fs; shifts the reading frame from glutamic acid 1275.
Molecular consequence: frameshift variant.
Genome position (GRCh38, 1-based): chr8:41,934,392-41,934,396, CTTCT deleted on the plus strand (AGAAG on the coding strand, the reverse complement: KAT6A is on the minus strand); deleting any 5 consecutive bases within chr8:41,934,392-41,934,401 gives the same sequence; the c. name uses the placement nearest the transcript's 3' end. VCF-style (leftmost placement, unchanged base first): chr8-41934391-GCTTCT-G. GRCh37 (hg19) VCF-style: chr8-41791909-GCTTCT-G.
Other names: short protein forms E1275fs.
Identifiers: ClinVar variation 3062135 (VCV003062135.1), dbSNP rs2486757248, ClinGen allele CA2740091290.